The following is an entry in ClinVar:

NM_022051.3(EGLN1):c.102C>A (p.Ser34Arg)

Gene: EGLN1 (egl-9 family hypoxia inducible factor 1; minus strand). Cytogenetic location: 1q42.2.
Variant type: single nucleotide variant.
Coding change: c.102C>A on transcript NM_022051.3 (MANE Select); coding-DNA position 102, C replaced by A.
Protein change: p.Ser34Arg; replaces serine 34 with arginine.
Molecular consequence: missense variant.
Genome position (GRCh38, 1-based): chr1:231,421,787, G>T on the plus strand (C>A on the coding strand, the complement: EGLN1 is on the minus strand). VCF-style: chr1-231421787-G-T. GRCh37 (hg19) VCF-style: chr1-231557533-G-T.
Other names: c.102C>A, p.Ser34Arg (NM_001377260.1, NM_001377261.1); short protein forms S34R.
Identifiers: ClinVar variation 2562042 (VCV002562042.3), dbSNP rs1378168672, ClinGen allele CA345239036.

ClinVar aggregate classification (germline): Uncertain significance (1 of 4 stars; one submission).

Submission:

Ambry Genetics
Classification: Uncertain significance. Last evaluated: 2025-05-19. Review status: criteria provided, single submitter. Criteria: Ambry Variant Classification Scheme 2023. Collection method: clinical testing. Allele origin: germline.
Comment: The p.S34R variant (also known as c.102C>A), located in coding exon 1 of the EGLN1 gene, results from a C to A substitution at nucleotide position 102. The serine at codon 34 is replaced by arginine, an amino acid with dissimilar properties. This amino acid position is conserved. In addition, this alteration is predicted to be tolerated by in silico analysis. Since supporting evidence is limited at this time, the clinical significance of this alteration remains unclear.